The following is an entry in ClinVar:

ClinVar aggregate classification (germline): Uncertain significance. Review status: criteria provided, multiple submitters, no conflicts (2 of 4 stars). 5 submissions from 5 submitters: Uncertain significance (5). Last evaluated 2025-10-31.

Conditions:
Hereditary nonpolyposis colorectal neoplasms. Identifiers: MedGen C0009405, MeSH D003123.
Lynch syndrome. Identifiers: Orphanet 144, MedGen C4552100, MONDO:0005835. Disease mechanism: loss of function.
Hereditary cancer-predisposing syndrome. Also called: Neoplastic Syndromes, Hereditary; Tumor predisposition; Hereditary Cancer Syndrome; Hereditary neoplastic syndrome. Identifiers: Orphanet 140162, MedGen C0027672, MeSH D009386, MONDO:0015356.

Allele frequency attached by ClinVar (database versions not stated): gnomAD exomes below 0.00001.
gnomAD v4.1: 4 of 1,562,902 alleles (0.00026%); highest among the groups gnomAD compares: Non-Finnish European, 0.00035%; no homozygotes.

Submissions (5):

Quest Diagnostics Nichols Institute San Juan Capistrano
Classification: Uncertain significance. Last evaluated: 2025-10-31. Review status: criteria provided, single submitter. Criteria: Quest Diagnostics criteria. Collection method: clinical testing. Allele origin: unknown.
Comment: The MSH6 c.3008G>C (p.Cys1003Ser) variant has been reported in the published literature in a reportedly unaffected individual (PMID: 33471991 (2021), see also LOVD). This variant has not been reported in large, multi-ethnic general populations (Genome Aggregation Database). Analysis of this variant using bioinformatics tools for the prediction of the effect of amino acid changes on protein structure and function yielded predictions that this variant is benign. Based on the available information, we are unable to determine the clinical significance of this variant.

Women's Health and Genetics/Laboratory Corporation of America, LabCorp
Classification: Uncertain significance. Last evaluated: 2025-02-13. Review status: criteria provided, single submitter. Criteria: LabCorp Variant Classification Summary - May 2015. Collection method: clinical testing. Allele origin: germline.

Labcorp Genetics (formerly Invitae), Labcorp
Classification: Uncertain significance for Hereditary nonpolyposis colorectal neoplasms. Last evaluated: 2024-10-27. Review status: criteria provided, single submitter. Criteria: Invitae Variant Classification Sherloc (09022015). Collection method: clinical testing. Allele origin: germline.
Comment: This sequence change replaces cysteine, which is neutral and slightly polar, with serine, which is neutral and polar, at codon 1003 of the MSH6 protein (p.Cys1003Ser). This variant is not present in population databases (gnomAD no frequency). This variant has not been reported in the literature in individuals affected with MSH6-related conditions. ClinVar contains an entry for this variant (Variation ID: 1798766). Invitae Evidence Modeling of protein sequence and biophysical properties (such as structural, functional, and spatial information, amino acid conservation, physicochemical variation, residue mobility, and thermodynamic stability) indicates that this missense variant is not expected to disrupt MSH6 protein function with a negative predictive value of 95%. In summary, the available evidence is currently insufficient to determine the role of this variant in disease. Therefore, it has been classified as a Variant of Uncertain Significance.

All of Us Research Program, National Institutes of Health
Classification: Uncertain significance for Lynch syndrome. Last evaluated: 2024-03-05. Review status: criteria provided, single submitter. Criteria: ACMG Guidelines, 2015. Collection method: clinical testing. Allele origin: germline. Inheritance: Autosomal dominant inheritance. Observed: 1 variant allele, 1 heterozygote.
Comment: This study involves interpretation of variants in research participants for the purpose of population health screening. Participant phenotype was not available at the time of variant classification. Additional details can be found in publication PMID: 35346344, PMCID: PMC8962531

Ambry Genetics
Classification: Uncertain significance for Hereditary cancer-predisposing syndrome. Last evaluated: 2021-09-21. Review status: criteria provided, single submitter. Criteria: Ambry Variant Classification Scheme 2023. Collection method: clinical testing. Allele origin: germline.
Comment: The p.C1003S variant (also known as c.3008G>C), located in coding exon 4 of the MSH6 gene, results from a G to C substitution at nucleotide position 3008. The cysteine at codon 1003 is replaced by serine, an amino acid with dissimilar properties. This amino acid position is not well conserved in available vertebrate species. In addition, the in silico prediction for this alteration is inconclusive. Since supporting evidence is limited at this time, the clinical significance of this alteration remains unclear.

Literature cited by the submitters: PubMed 33471991 (cited by Quest Diagnostics Nichols Institute San Juan Capistrano).

NM_000179.3(MSH6):c.3008G>C (p.Cys1003Ser)

Gene: MSH6 (mutS homolog 6; plus strand). Cytogenetic location: 2p16.3.
Variant type: single nucleotide variant.
Coding change: c.3008G>C on transcript NM_000179.3 (MANE Select); coding-DNA position 3008, G replaced by C.
Protein change: p.Cys1003Ser; replaces cysteine 1003 with serine.
Molecular consequence: missense variant.
Genome position (GRCh38, 1-based): chr2:47,800,991, G>C. VCF-style: chr2-47800991-G-C. GRCh37 (hg19) VCF-style: chr2-48028130-G-C.
Other names: c.2618G>C, p.Cys873Ser (NM_001281492.2); c.2102G>C, p.Cys701Ser (NM_001281493.2, NM_001281494.2, NM_001406811.1 and 6 more transcripts); c.3104G>C, p.Cys1035Ser (NM_001406795.1, NM_001406802.1); c.3008G>C, p.Cys1003Ser (NM_001406796.1, NM_001406798.1, NM_001406800.1 and 2 more transcripts); c.2711G>C, p.Cys904Ser (NM_001406797.1, NM_001406801.1, NM_001406805.1 and 10 more transcripts); c.2483G>C, p.Cys828Ser (NM_001406799.1, NM_001406806.1, NM_001406807.1); c.2930G>C, p.Cys977Ser (NM_001406804.1); c.3014G>C, p.Cys1005Ser (NM_001406813.1); and 2 more; short protein forms C904S, C947S, C1005S, C873S, C1003S, C318S, C701S, C828S.
Identifiers: ClinVar variation 1798766 (VCV001798766.8), dbSNP rs1558667696, ClinGen allele CA346756412.